The following is an entry in ClinVar:

ClinVar aggregate classification (germline): Conflicting classifications of pathogenicity. Review status: criteria provided, conflicting classifications (1 of 4 stars). 2 submissions from 2 submitters: Likely pathogenic (1); Uncertain significance (1). Last evaluated 2025-08-27.

Conditions:
Inborn genetic diseases. Identifiers: MedGen C0950123, MeSH D030342.
Acute infantile liver failure due to synthesis defect of mtDNA-encoded proteins. Also called: LIVER FAILURE, INFANTILE, TRANSIENT; Liver failure acute infantile; TRMU Deficiency. Identifiers: Orphanet 217371, MedGen C3278664, MONDO:0013111, OMIM 613070.

Allele frequency attached by ClinVar (database versions not stated): gnomAD exomes below 0.00001 and 0.00002; gnomAD 0.00002; TOPMed 0.00002.
gnomAD v4.1: 32 of 1,613,712 alleles (0.002%); highest among the groups gnomAD compares: Non-Finnish European, 0.0024%; no homozygotes.

Submissions (2):

Myriad Genetics, Inc.
Classification: Uncertain significance for Acute infantile liver failure due to synthesis defect of mtDNA-encoded proteins. Last evaluated: 2025-08-27. Review status: criteria provided, single submitter. Criteria: Myriad Autosomal Dominant, Autosomal Recessive and X-Linked Classification Criteria (2023). Collection method: clinical testing. Allele origin: unknown.
Comment: NM_018006.4(TRMU):c.671T>G(I224S) is a missense variant classified as a variant of uncertain significance in the context of acute liver failure, TRMU-related. I224S has been observed in a case with relevant disease (PMID: 36305855). Relevant functional assessments of this variant are not available in the literature. I224S has been observed in referenced population frequency databases. In summary, there is insufficient evidence to classify NM_018006.4(TRMU):c.671T>G(I224S) as pathogenic or benign. Please note: this variant was assessed in the context of healthy population screening.

Ambry Genetics
Classification: Likely pathogenic for Inborn genetic diseases. Last evaluated: 2015-09-21. Review status: criteria provided, single submitter. Criteria: Ambry exome assertion method (8-5-2015). Collection method: clinical testing. Allele origin: germline. Affected: yes. Observed: 1 variant allele.

Literature cited by the submitters: PubMed 36305855 (cited by Myriad Genetics, Inc.).

NM_018006.5(TRMU):c.671T>G (p.Ile224Ser)

Gene: TRMU (tRNA mitochondrial 2-thiouridylase; plus strand). Cytogenetic location: 22q13.31.
Variant type: single nucleotide variant.
Coding change: c.671T>G on transcript NM_018006.5 (MANE Select); coding-DNA position 671, T replaced by G.
Protein change: p.Ile224Ser; replaces isoleucine 224 with serine.
Molecular consequence: missense variant. On other transcripts: non-coding transcript variant (2).
Genome position (GRCh38, 1-based): chr22:46,352,140, T>G. VCF-style: chr22-46352140-T-G. GRCh37 (hg19) VCF-style: chr22-46748037-T-G.
Other names: c.329T>G, p.Ile110Ser (NM_001282782.2); c.251T>G, p.Ile84Ser (NM_001282783.2, NM_001282784.2); c.671T>G, p.Ile224Ser (NM_001282785.2); short protein forms I224S, I110S, I84S.
Identifiers: ClinVar variation 520749 (VCV000520749.5), dbSNP rs926748713, ClinGen allele CA325175526.
Genomic context (GRCh38, chr22:46,352,140, plus strand): 5'-CCACTTCTGCTCCTCTCACGGCTGCCGTCTTCTCATTTCAGAGCATGGGCATGTGTTTCA[T>G]CGGGAAGAGGAATTTTGAACATTTCCTTCTTCAGGTGCGTGCTGCTCTTTGACACAAAGA-3'
Protein context (NP_060476.2, residues 214-234): QKKESMGMCF[Ile224Ser]GKRNFEHFLL